The following is an entry in ClinVar:

NM_006231.4(POLE):c.2091dup (p.Phe699fs)

Gene: POLE (DNA polymerase epsilon, catalytic subunit; minus strand). Cytogenetic location: 12q24.33.
Variant type: Duplication.
Coding change: c.2091dup on transcript NM_006231.4 (MANE Select); coding-DNA position 2091, one base duplicated (C; older notation c.2091dupC).
Protein change: p.Phe699fs; shifts the reading frame from phenylalanine 699.
Molecular consequence: frameshift variant.
Genome position (GRCh38, 1-based): chr12:132,668,438, G duplicated on the plus strand (C on the coding strand, the reverse complement: POLE is on the minus strand); the first of 7 consecutive G bases (chr12:132,668,438-132,668,444); duplicating any one gives the same sequence. VCF-style (leftmost placement, unchanged base first): chr12-132668437-A-AG. GRCh37 (hg19) VCF-style: chr12-133245023-A-AG.
Other names: c.2091dupC (NM_006231.3); c.2091dup (NM_006231.2); short protein forms F699fs.
Identifiers: ClinVar variation 473509 (VCV000473509.31), dbSNP rs752846614, ClinGen allele CA6893681.
Genomic context (GRCh38, chr12:132,668,437, plus strand): 5'-ATTTCGCCTGTTCCTCGCGGGACAGTTCATGAAAGGCCCGAGCTGGCCCCTCTGGGAACA[A>AG]GGGGGGGAACTTCTCTGACTCCAGCTGGTGCTGGATCCGATGGTATTCGCTGCGACTGGC-3'

ClinVar aggregate classification (germline): Conflicting classifications of pathogenicity. Review status: criteria provided, conflicting classifications (1 of 4 stars). 7 submissions from 7 submitters: Pathogenic (3); Uncertain significance (3). 1 of the submissions does not count toward it. Last evaluated 2026-01-24.

Conditions:
Hereditary cancer-predisposing syndrome. Also called: Neoplastic Syndromes, Hereditary; Hereditary neoplastic syndrome; Tumor predisposition; Hereditary Cancer Syndrome. Identifiers: Orphanet 140162, MedGen C0027672, MeSH D009386, MONDO:0015356.
POLD1-related polyposis and colorectal cancer syndrome (CRCS10). Also called: Colorectal cancer 10; COLORECTAL CANCER, SUSCEPTIBILITY TO, ON CHROMOSOME 19q; Colorectal cancer, susceptibility to, 10. Identifiers: Orphanet 220460, MedGen C2675481, MONDO:0012953, OMIM 612591.
POLE-related disorder. Also called: POLE-related disorders; POLE-related condition.
Colorectal cancer, susceptibility to, 12 (CRCS12). Also called: COLORECTAL CANCER, SUSCEPTIBILITY TO, ON CHROMOSOME 12q24. Identifiers: Orphanet 220460, MedGen C3554460, MONDO:0014038, OMIM 615083.

Submissions (7):

Labcorp Genetics (formerly Invitae), Labcorp
Classification: Pathogenic. Last evaluated: 2026-01-24. Review status: criteria provided, single submitter. Criteria: Invitae Variant Classification Sherloc (09022015). Collection method: clinical testing. Allele origin: germline.
Comment: This sequence change creates a premature translational stop signal (p.Phe699Valfs*11) in the POLE gene. It is expected to result in an absent or disrupted protein product. Loss-of-function variants in POLE are known to be pathogenic (PMID: 23230001, 25948378, 30503519). The frequency data for this variant in the population databases is considered unreliable, as metrics indicate poor data quality at this position in the gnomAD database. This premature translational stop signal has been observed in individual(s) with clinical features of autosomal recessive IMAGe syndrome (PMID: 30503519). ClinVar contains an entry for this variant (Variation ID: 473509). For these reasons, this variant has been classified as Pathogenic.

Ambry Genetics
Classification: Uncertain significance for Hereditary cancer-predisposing syndrome. Last evaluated: 2026-01-08. Review status: criteria provided, single submitter. Criteria: Ambry Variant Classification Scheme 2023. Collection method: clinical testing. Allele origin: germline.
Comment: The c.2091dupC variant, located in coding exon 19 of the POLE gene, results from a duplication of C at nucleotide position 2091, causing a translational frameshift with a predicted alternate stop codon (p.F699Vfs*11). This variant has been identified in conjunction with another POLE variant in an individual with features consistent with IMAGE syndrome (Nakano T et al. J Med Genet, 2022 May;59:1116-22). This alteration is expected to result in loss of function by premature protein truncation or nonsense-mediated mRNA decay. Although biallelic loss of function of POLE has been associated with autosomal recessive POLE deficiency, haploinsufficiency of POLE has not been established as a mechanism of disease for POLE-related polymerase proofreading-associated polyposis (PPAP) and POLE-related CMMRD-like syndrome. Based on the supporting evidence, this variant is expected to be causative of POLE deficiency when present along with a second pathogenic variant on the other allele; however, its clinical significance for PPAP and POLE-related CMMRD-like syndrome is unclear.

GeneDx
Classification: Pathogenic. Last evaluated: 2025-09-03. Review status: criteria provided, single submitter. Criteria: GeneDx Variant Classification Process June 2021. Collection method: clinical testing. Allele origin: germline. Affected: yes.
Comment: Frameshift variant predicted to result in protein truncation or nonsense mediated decay in a gene for which loss of function is a known mechanism of disease; Not observed at significant frequency in large population cohorts (gnomAD); This variant is associated with the following publications: (PMID: 24755471, 30503519, 35534205)

Molecular Pathology, Peter Maccallum Cancer Centre
Classification: Uncertain significance for POLD1-related polyposis and colorectal cancer syndrome. Last evaluated: 2025-02-04. Review status: criteria provided, single submitter. Criteria: ACMG Guidelines, 2015. Collection method: clinical testing. Allele origin: germline. Inheritance: Autosomal dominant inheritance.

St. Jude Molecular Pathology, St. Jude Children's Research Hospital
Classification: Uncertain significance for Colorectal cancer, susceptibility to, 12. Last evaluated: 2023-01-23. Review status: criteria provided, single submitter. Criteria: St. Jude Assertion Criteria 2020. Collection method: clinical testing. Allele origin: germline.
Comment: The POLE c.2091dup (p.Phe699ValfsTer11) change inserts one nucleotide and causes a frameshift and the creation of a premature stop codon. The disease mechanism for replication-repair-associated DNA polymerases is loss of proofreading caused by missense changes in the exonuclease domain, whereas protein-truncating variants causing loss-of-function are associated with IMAGE-I syndrome (PMID: 23447401, 30503519). This variant does not affect the exonuclease domain and to our knowledge, it has not been reported in individuals with polymerase proofreading-associated polyposis. This variant has been reported in siblings with IMAGE-I syndrome and was confirmed to be in trans with a second pathogenic variant for IMAGE-I syndrome, p.Asn563Valfs*16 (PMID: 30503519). This variant has a maximum subpopulation frequency of 0.0044% in gnomAD v2.1.1. In summary, this variant is pathogenic with respect to IMAGE-I syndrome and of uncertain significance with respect to polymerase proofreading-associated polyposis since the evidence currently available is insufficient to determine the clinical significance of this variant with respect to that condition.

Institute for Clinical Genetics, University Hospital TU Dresden, University Hospital TU Dresden
Classification: Pathogenic. Last evaluated: 2021-11-03. Review status: criteria provided, single submitter. Criteria: ACMG Guidelines, 2015. Collection method: clinical testing. Allele origin: germline.

PreventionGenetics, part of Exact Sciences
Classification: Likely pathogenic for POLE-related condition. Last evaluated: 2024-03-14. Review status: no assertion criteria provided. Collection method: clinical testing. Allele origin: germline. Not counted in ClinVar's aggregate classification.
Comment: The POLE c.2091dupC variant is predicted to result in a frameshift and premature protein termination (p.Phe699Valfs*11). This variant has been reported in the compound heterozygous state with another POLE frameshift variant in two members of a family with autosomal recessive intrauterine growth retardation, metaphyseal dysplasia, adrenal hypoplasia congenita, genital anomalies, and immunodeficiency (IMAGe-I) syndrome (Logan et al. 2018. PubMed ID: 30503519). This variant is reported in 0.0044% of alleles in individuals of European (Non-Finnish) descent in gnomAD and has conflicting interpretations in ClinVar, ranging from uncertain to pathogenic. This variant is interpreted as likely pathogenic for autosomal recessive IMAGe-I syndrome but should be considered a variant of uncertain significance for POLE-associated autosomal dominant cancer susceptibility.

Literature cited by the submitters: PubMed 23230001 (cited by Labcorp Genetics (formerly Invitae), Labcorp); PubMed 25948378 (cited by Labcorp Genetics (formerly Invitae), Labcorp); PubMed 30503519 (cited by Labcorp Genetics (formerly Invitae), Labcorp); PubMed 35534205 (cited by Ambry Genetics).